The following is an entry in ClinVar:

ClinVar aggregate classification (germline): Uncertain significance (1 of 4 stars; one submission).

Conditions:
TET3-related disorder. Also called: TET3-related condition; TET3-Related Disease.

gnomAD v4.1: 4 of 1,611,024 alleles (0.00025%); highest among the groups gnomAD compares: Non-Finnish European, 0.00034%; no homozygotes.

Submission:

PreventionGenetics, part of Exact Sciences
Classification: Uncertain significance for TET3-related condition. Last evaluated: 2022-10-05. Review status: criteria provided, single submitter. Criteria: ACMG Guidelines, 2015. Collection method: clinical testing. Allele origin: germline.
Comment: The TET3 c.4150C>A variant is predicted to result in the amino acid substitution p.Pro1384Thr. To our knowledge, this variant has not been reported in the literature or in a large population database, indicating this variant is rare. At this time, the clinical significance of this variant is uncertain due to the absence of conclusive functional and genetic evidence.

NM_001287491.2(TET3):c.4150C>A (p.Pro1384Thr)

Gene: TET3 (tet methylcytosine dioxygenase 3; plus strand). Cytogenetic location: 2p13.1.
Variant type: single nucleotide variant.
Coding change: c.4150C>A on transcript NM_001287491.2 (MANE Select); coding-DNA position 4150, C replaced by A.
Protein change: p.Pro1384Thr; replaces proline 1384 with threonine.
Molecular consequence: missense variant.
Genome position (GRCh38, 1-based): chr2:74,100,938, C>A. VCF-style: chr2-74100938-C-A. GRCh37 (hg19) VCF-style: chr2-74328065-C-A.
Other names: c.3871C>A, p.Pro1291Thr (NM_001366022.1); c.3745C>A, p.Pro1249Thr (NM_144993.1); short protein forms P1249T, P1291T, P1384T.
Identifiers: ClinVar variation 2634440 (VCV002634440.1), dbSNP rs1691169101, ClinGen allele CA347318898.
Genomic context (GRCh38, chr2:74,100,938, plus strand): 5'-CCCAAGGAGTATCTGCTTCCCAAGGCCCCCCTACTCCACTCAGTGTCCAGGGACCCCTCC[C>A]CCTTTGCCCAGAGCTCCAACTGCTACAACAGATCCATCAAGCAAGAGCCAGTAGACCCGC-3'
Protein context (NP_001274420.1, residues 1374-1394): LLHSVSRDPS[Pro1384Thr]FAQSSNCYNR